The following is an entry in ClinVar:

NM_001131016.2(CIZ1):c.286+6G>T

Gene: CIZ1 (CDKN1A interacting zinc finger protein 1; minus strand). Cytogenetic location: 9q34.11.
Variant type: single nucleotide variant.
Coding change: c.286+6G>T on transcript NM_001131016.2 (MANE Select); 6 bases into the intron after coding-DNA position 286, G replaced by T.
Molecular consequence: intron variant.
Genome position (GRCh38, 1-based): chr9:128,190,323, C>A on the plus strand (G>T on the coding strand, the complement: CIZ1 is on the minus strand). VCF-style: chr9-128190323-C-A. GRCh37 (hg19) VCF-style: chr9-130952602-C-A.
Other names: c.286+6G>T (NM_001131015.2, NM_012127.3, NM_001131018.2 and 1 more transcripts); c.376+6G>T (NM_001257975.2); c.-18+365G>T (NM_001257976.2).
Identifiers: ClinVar variation 1450267 (VCV001450267.6), dbSNP rs973111421, ClinGen allele CA200327397.

ClinVar aggregate classification (germline): Uncertain significance (1 of 4 stars; one submission).

Conditions:
Dystonic disorder. Also called: Dystonia. Identifiers: MedGen C0013421, MONDO:0003441, HP:0001332.

Allele frequency attached by ClinVar (database versions not stated): gnomAD exomes below 0.00001; TOPMed below 0.00001.
gnomAD v4.1: 1 of 1,604,196 alleles (0.000062%); highest among the groups gnomAD compares: East Asian, 0.0022%; no homozygotes.

Submission:

Labcorp Genetics (formerly Invitae), Labcorp
Classification: Uncertain significance for Dystonic disorder. Last evaluated: 2021-07-21. Review status: criteria provided, single submitter. Criteria: Invitae Variant Classification Sherloc (09022015). Collection method: clinical testing. Allele origin: germline.
Comment: This sequence change falls in intron 3 of the CIZ1 gene. It does not directly change the encoded amino acid sequence of the CIZ1 protein. It affects a nucleotide within the consensus splice site of the intron. This variant is not present in population databases (ExAC no frequency). This variant has not been reported in the literature in individuals affected with CIZ1-related conditions. Nucleotide substitutions within the consensus splice site are a relatively common cause of aberrant splicing (PMID: 17576681, 9536098). Algorithms developed to predict the effect of sequence changes on RNA splicing suggest that this variant may create or strengthen a splice site. In summary, the available evidence is currently insufficient to determine the role of this variant in disease. Therefore, it has been classified as a Variant of Uncertain Significance.

Literature cited by the submitters: PubMed 17576681; PubMed 9536098.